The following is an entry in ClinVar:

ClinVar aggregate classification (germline): Uncertain significance (1 of 4 stars; one submission).

Conditions:
Deficiency of aromatic-L-amino-acid decarboxylase. Also called: AADC DEFICIENCY; Aromatic L-Amino Acid Decarboxylase Deficiency; Aromatic amino acid decarboxylase deficiency; DDC DEFICIENCY; DOPA DECARBOXYLASE DEFICIENCY. Identifiers: Orphanet 35708, MedGen C1291564, MONDO:0012084, OMIM 608643.

Allele frequency attached by ClinVar (database versions not stated): TOPMed below 0.00001; gnomAD 0.00001; ESP Exome Variant Server 0.00008.
gnomAD v4.1: 2 of 1,613,660 alleles (0.00012%); highest among the groups gnomAD compares: African/African-American, 0.0027%; no homozygotes.

Submission:

Labcorp Genetics (formerly Invitae), Labcorp
Classification: Uncertain significance for Deficiency of aromatic-L-amino-acid decarboxylase. Last evaluated: 2022-09-01. Review status: criteria provided, single submitter. Criteria: Invitae Variant Classification Sherloc (09022015). Collection method: clinical testing. Allele origin: germline.
Comment: In summary, the available evidence is currently insufficient to determine the role of this variant in disease. Therefore, it has been classified as a Variant of Uncertain Significance. Algorithms developed to predict the effect of missense changes on protein structure and function (SIFT, PolyPhen-2, Align-GVGD) all suggest that this variant is likely to be tolerated. ClinVar contains an entry for this variant (Variation ID: 1350870). This variant has not been reported in the literature in individuals affected with DDC-related conditions. This variant is not present in population databases (gnomAD no frequency). This sequence change replaces alanine, which is neutral and non-polar, with valine, which is neutral and non-polar, at codon 225 of the DDC protein (p.Ala225Val).

NM_001082971.2(DDC):c.674C>T (p.Ala225Val)

Gene: DDC (dopa decarboxylase; minus strand). Cytogenetic location: 7p12.1.
Variant type: single nucleotide variant.
Coding change: c.674C>T on transcript NM_001082971.2 (MANE Select); coding-DNA position 674, C replaced by T.
Protein change: p.Ala225Val; replaces alanine 225 with valine.
Molecular consequence: missense variant. On other transcripts: intron variant (2).
Genome position (GRCh38, 1-based): chr7:50,528,177, G>A on the plus strand (C>T on the coding strand, the complement: DDC is on the minus strand). VCF-style: chr7-50528177-G-A. GRCh37 (hg19) VCF-style: chr7-50595875-G-A.
Other names: c.674C>T, p.Ala225Val (NM_000790.4, NM_001242890.2); c.560C>T, p.Ala187Val (NM_001242886.2); c.440C>T, p.Ala147Val (NM_001242888.2); c.435+9683C>T (NM_001242889.2); c.570+1031C>T (NM_001242887.2); short protein forms A225V, A147V, A187V.
Identifiers: ClinVar variation 1350870 (VCV001350870.8), dbSNP rs141265809, ClinGen allele CA158232786.